The following is an entry in ClinVar:

ClinVar aggregate classification (germline): Uncertain significance. Review status: criteria provided, multiple submitters, no conflicts (2 of 4 stars). 6 submissions from 6 submitters: Uncertain significance (6). Last evaluated 2025-06-19.

Conditions:
KIF1A-related disorder. Also called: KIF1A-related disorders; KIF1A-related condition.
Inborn genetic diseases. Identifiers: MedGen C0950123, MeSH D030342.
Neuropathy, hereditary sensory, type 2C. Also called: KIF1A-Related HSAN2 (HSAN2C); Hereditary sensory and autonomic neuropathy type IIC. Identifiers: Orphanet 970, MedGen C3280168, MONDO:0013634, OMIM 614213.
Intellectual disability, autosomal dominant 9 (NESCAVS). Also called: KIF1A-Related Neurodevelopmental Disorder; NESCAV SYNDROME. Identifiers: Orphanet 662367, MedGen C5393830, MONDO:0013656, OMIM 614255.
Hereditary spastic paraplegia 30. Identifiers: Orphanet 101010, MedGen C5235139, MONDO:0012476.

Allele frequency attached by ClinVar (database versions not stated): gnomAD 0.00002; gnomAD exomes 0.00002; TOPMed 0.00002; ExAC 0.00007.
gnomAD v4.1: 30 of 1,589,256 alleles (0.0019%); highest among the groups gnomAD compares: African/African-American, 0.0081%; no homozygotes.

Submissions (6):

Labcorp Genetics (formerly Invitae), Labcorp
Classification: Uncertain significance for Hereditary spastic paraplegia 30; Neuropathy, hereditary sensory, type 2C; Intellectual disability, autosomal dominant 9. Last evaluated: 2025-06-19. Review status: criteria provided, single submitter. Criteria: Invitae Variant Classification Sherloc (09022015). Collection method: clinical testing. Allele origin: germline.
Comment: This sequence change replaces threonine, which is neutral and polar, with methionine, which is neutral and non-polar, at codon 1178 of the KIF1A protein (p.Thr1178Met). The frequency data for this variant in the population databases is considered unreliable, as metrics indicate poor data quality at this position in the gnomAD database. This variant has not been reported in the literature in individuals affected with KIF1A-related conditions. ClinVar contains an entry for this variant (Variation ID: 1331328). Invitae Evidence Modeling of protein sequence and biophysical properties (such as structural, functional, and spatial information, amino acid conservation, physicochemical variation, residue mobility, and thermodynamic stability) indicates that this missense variant is not expected to disrupt KIF1A protein function with a negative predictive value of 95%. In summary, the available evidence is currently insufficient to determine the role of this variant in disease. Therefore, it has been classified as a Variant of Uncertain Significance.

GeneDx
Classification: Uncertain significance. Last evaluated: 2023-06-05. Review status: criteria provided, single submitter. Criteria: GeneDx Variant Classification Process June 2021. Collection method: clinical testing. Allele origin: germline. Affected: yes.
Comment: Has not been previously published as pathogenic or benign to our knowledge; In silico analysis supports that this missense variant has a deleterious effect on protein structure/function

PreventionGenetics, part of Exact Sciences
Classification: Uncertain significance for KIF1A-related condition. Last evaluated: 2023-01-09. Review status: criteria provided, single submitter. Criteria: ACMG Guidelines, 2015. Collection method: clinical testing. Allele origin: germline.
Comment: The KIF1A c.3836C>T variant is predicted to result in the amino acid substitution p.Thr1279Met. To our knowledge, this variant has not been reported in the literature. This variant is reported in 0.010% of alleles in individuals of Latino descent in gnomAD. At this time, the clinical significance of this variant is uncertain due to the absence of conclusive functional and genetic evidence.

Revvity Omics, Revvity
Classification: Uncertain significance. Last evaluated: 2022-06-21. Review status: criteria provided, single submitter. Criteria: ACMG Guidelines, 2015. Collection method: clinical testing. Allele origin: germline.

Ambry Genetics
Classification: Uncertain significance for Inborn genetic diseases. Last evaluated: 2021-08-30. Review status: criteria provided, single submitter. Criteria: Ambry Variant Classification Scheme 2023. Collection method: clinical testing. Allele origin: germline.

Genetic Services Laboratory, University of Chicago
Classification: Uncertain significance. Last evaluated: 2017-09-07. Review status: criteria provided, single submitter. Criteria: ACMG Guidelines, 2015. Collection method: clinical testing. Allele origin: germline. Affected: no.

NM_001244008.2(KIF1A):c.3836C>T (p.Thr1279Met)

Genes: KIF1A (kinesin family member 1A; minus strand), LOC126806583 (P300/CBP strongly-dependent group 1 enhancer GRCh37_chr2:241678910-241680109; plus strand). Cytogenetic location: 2q37.3.
Variant type: single nucleotide variant.
Coding change: c.3836C>T on transcript NM_001244008.2 (MANE Select); coding-DNA position 3836, C replaced by T.
Protein change: p.Thr1279Met; replaces threonine 1279 with methionine.
Molecular consequence: missense variant.
Genome position (GRCh38, 1-based): chr2:240,740,123, G>A on the plus strand (C>T on the coding strand, the complement: KIF1A is on the minus strand). VCF-style: chr2-240740123-G-A. GRCh37 (hg19) VCF-style: chr2-241679540-G-A.
Other names: c.3560C>T, p.Thr1187Met (NM_001320705.2, NM_001330289.2, NM_001379638.1); c.3635C>T, p.Thr1212Met (NM_001330290.2, NM_001379634.1, NM_001379635.1 and 1 more transcripts); c.3911C>T, p.Thr1304Met (NM_001379631.1); c.3785C>T, p.Thr1262Met (NM_001379632.1); c.3809C>T, p.Thr1270Met (NM_001379633.1, NM_001379642.1, NM_001379645.1); c.3533C>T, p.Thr1178Met (NM_001379636.1, NM_001379639.1, NM_001379641.1 and 5 more transcripts); c.3608C>T, p.Thr1203Met (NM_001379637.1, NM_001379648.1); c.3530C>T, p.Thr1177Met (NM_001379640.1); and 2 more; short protein forms T1177M, T1178M, T1187M, T1203M, T1212M, T1262M, T1270M, T1279M.
Identifiers: ClinVar variation 1331328 (VCV001331328.16), dbSNP rs755107272, ClinGen allele CA2207617.